The following is an entry in ClinVar:

NM_003873.7(NRP1):c.1676C>T (p.Thr559Met)

Gene: NRP1 (neuropilin 1; minus strand). Cytogenetic location: 10p11.22.
Variant type: single nucleotide variant.
Coding change: c.1676C>T on transcript NM_003873.7 (MANE Select); coding-DNA position 1676, C replaced by T.
Protein change: p.Thr559Met; replaces threonine 559 with methionine.
Molecular consequence: missense variant. On other transcripts: non-coding transcript variant (1).
Genome position (GRCh38, 1-based): chr10:33,207,655, G>A on the plus strand (C>T on the coding strand, the complement: NRP1 is on the minus strand). VCF-style: chr10-33207655-G-A. GRCh37 (hg19) VCF-style: chr10-33496583-G-A.
Other names: c.1676C>T, p.Thr559Met (NM_001024628.3, NM_001024629.3, NM_001244972.2 and 2 more transcripts); short protein forms T559M.
Identifiers: ClinVar variation 2631974 (VCV002631974.2), dbSNP rs143124682, ClinGen allele CA5466539.

ClinVar aggregate classification (germline): Uncertain significance (0 of 4 stars; one submission).

Conditions:
NRP1-related disorder. Also called: NRP1-related condition.

Allele frequency attached by ClinVar (database versions not stated): TOPMed 0.00001; gnomAD 0.00004; ExAC 0.00009; 1000 Genomes Project 30x 0.00094; 1000 Genomes Project 0.00100.
gnomAD v4.1: 36 of 1,614,098 alleles (0.0022%); highest among the groups gnomAD compares: East Asian, 0.011%; no homozygotes.

Submission:

PreventionGenetics, part of Exact Sciences
Classification: Uncertain significance for NRP1-related condition. Last evaluated: 2024-05-28. Review status: no assertion criteria provided. Collection method: clinical testing. Allele origin: germline.
Comment: The NRP1 c.1676C>T variant is predicted to result in the amino acid substitution p.Thr559Met. This variant was reported in an individual with isolated hypogonadotropic hypogonadism (Men et al. 2021. PubMed ID: 34636164). This variant is reported in 0.014% of alleles in individuals of Latino descent in gnomAD. At this time, the clinical significance of this variant is uncertain due to the absence of conclusive functional and genetic evidence.